The following is an entry in ClinVar:

ClinVar aggregate classification (germline): Uncertain significance (1 of 4 stars; one submission).

Conditions:
Ataxia-telangiectasia syndrome (AT). Also called: ATAXIA-TELANGIECTASIA, FRESNO VARIANT; Ataxia-telangiectasia, complementation group D; AT, COMPLEMENTATION GROUP C; Cerebello-oculocutaneous telangiectasia; Immunodeficiency with ataxia telangiectasia; Ataxia telangiectasia (A-T). Identifiers: Orphanet 100, MedGen C0004135, MONDO:0008840, OMIM 208900.

Submission:

Labcorp Genetics (formerly Invitae), Labcorp
Classification: Uncertain significance for Ataxia-telangiectasia syndrome. Last evaluated: 2020-08-20. Review status: criteria provided, single submitter. Criteria: Invitae Variant Classification Sherloc (09022015). Collection method: clinical testing. Allele origin: germline.
Comment: This sequence change falls in intron 4 of the ATM gene. It does not directly change the encoded amino acid sequence of the ATM protein. This variant is not present in population databases (ExAC no frequency). This variant has not been reported in the literature in individuals with ATM-related conditions. Algorithms developed to predict the effect of sequence changes on RNA splicing suggest that this variant may disrupt the consensus splice site, but this prediction has not been confirmed by published transcriptional studies. In summary, the available evidence is currently insufficient to determine the role of this variant in disease. Therefore, it has been classified as a Variant of Uncertain Significance.

NM_000051.4(ATM):c.332-8T>A

Gene: ATM (ATM serine/threonine kinase; plus strand). Cytogenetic location: 11q22.3.
Variant type: single nucleotide variant.
Coding change: c.332-8T>A on transcript NM_000051.4 (MANE Select); 8 bases into the intron before coding-DNA position 332, T replaced by A.
Molecular consequence: intron variant.
Genome position (GRCh38, 1-based): chr11:108,235,662, T>A. VCF-style: chr11-108235662-T-A. GRCh37 (hg19) VCF-style: chr11-108106389-T-A.
Other names: c.332-8T>A (NM_001351834.2).
Identifiers: ClinVar variation 1024044 (VCV001024044.8), dbSNP rs2079233073, ClinGen allele CA1998765141.
Genomic context (GRCh38, chr11:108,235,662, plus strand): 5'-GTTGCCATTCCAAGTGTCTTATTTTTGTTCAAATTTATGTTTTTCTTTATTTGTTTATTT[T>A]GAAATAGGAGCACCTAGGCTAAAATGTCAAGAACTCTTAAATTATATCATGGATACAGTG-3'